The following is an entry in ClinVar:

NM_000051.4(ATM):c.1814A>T (p.His605Leu)

Gene: ATM (ATM serine/threonine kinase; plus strand). Cytogenetic location: 11q22.3.
Variant type: single nucleotide variant.
Coding change: c.1814A>T on transcript NM_000051.4 (MANE Select); coding-DNA position 1814, A replaced by T.
Protein change: p.His605Leu; replaces histidine 605 with leucine.
Molecular consequence: missense variant.
Genome position (GRCh38, 1-based): chr11:108,252,828, A>T. VCF-style: chr11-108252828-A-T. GRCh37 (hg19) VCF-style: chr11-108123555-A-T.
Other names: c.1814A>T, p.His605Leu (NM_001351834.2); short protein forms H605L.
Identifiers: ClinVar variation 1721241 (VCV001721241.5), dbSNP rs771877351, ClinGen allele CA382535728.
Genomic context (GRCh38, chr11:108,252,828, plus strand): 5'-TTACATGGCTTTTGGTCTTCTAAGTGAAGCTTTTTGTTTTTCTTTGTAGTAATTTTCCTC[A>T]TCTTGTACTGGAGAAAATTCTTGTGAGTCTCACTATGAAAAACTGTAAAGCTGCAATGAA-3'
Protein context (NP_000042.3, residues 595-615): VPPILHSNFP[His605Leu]LVLEKILVSL

ClinVar aggregate classification (germline): Uncertain significance (1 of 4 stars; one submission).

Conditions:
Ataxia-telangiectasia syndrome (AT). Also called: Ataxia-telangiectasia, complementation group D; Ataxia telangiectasia (A-T); ATAXIA-TELANGIECTASIA, COMPLEMENTATION GROUP A; LOUIS-BAR SYNDROME; Cerebello-oculocutaneous telangiectasia; Immunodeficiency with ataxia telangiectasia. Identifiers: Orphanet 100, MedGen C0004135, MONDO:0008840, OMIM 208900.

Submission:

Labcorp Genetics (formerly Invitae), Labcorp
Classification: Uncertain significance for Ataxia-telangiectasia syndrome. Last evaluated: 2024-10-25. Review status: criteria provided, single submitter. Criteria: Invitae Variant Classification Sherloc (09022015). Collection method: clinical testing. Allele origin: germline.
Comment: This sequence change replaces histidine, which is basic and polar, with leucine, which is neutral and non-polar, at codon 605 of the ATM protein (p.His605Leu). This variant is not present in population databases (gnomAD no frequency). This variant has not been reported in the literature in individuals affected with ATM-related conditions. ClinVar contains an entry for this variant (Variation ID: 1721241). Invitae Evidence Modeling of protein sequence and biophysical properties (such as structural, functional, and spatial information, amino acid conservation, physicochemical variation, residue mobility, and thermodynamic stability) indicates that this missense variant is not expected to disrupt ATM protein function with a negative predictive value of 95%. In summary, the available evidence is currently insufficient to determine the role of this variant in disease. Therefore, it has been classified as a Variant of Uncertain Significance.